The following is an entry in ClinVar:

ClinVar aggregate classification (germline): Benign. Review status: criteria provided, multiple submitters, no conflicts (2 of 4 stars). 4 submissions from 4 submitters: Benign (3). 1 of the submissions does not count toward it. Last evaluated 2026-01-27.

Conditions:
PKD1L1-related disorder. Also called: PKD1L1-related condition.

Allele frequency attached by ClinVar (database versions not stated): gnomAD exomes 0.03019 and 0.04057; ExAC 0.04505; gnomAD 0.09324 and 0.09722; TOPMed 0.10232; 1000 Genomes Project 0.10284; ESP Exome Variant Server 0.10364; 1000 Genomes Project 30x 0.10868.
gnomAD v4.1: 58,857 of 1,610,846 alleles (3.7%); highest among the groups gnomAD compares: African/African-American, 27%; 3,452 homozygotes.

Submissions (4):

Labcorp Genetics (formerly Invitae), Labcorp
Classification: Benign. Last evaluated: 2026-01-27. Review status: criteria provided, single submitter. Criteria: Invitae Variant Classification Sherloc (09022015). Collection method: clinical testing. Allele origin: germline.

GeneDx
Classification: Benign. Last evaluated: 2021-06-09. Review status: criteria provided, single submitter. Criteria: GeneDx Variant Classification Process June 2021. Collection method: clinical testing. Allele origin: germline. Affected: yes.

Breakthrough Genomics
Classification: Benign. Review status: criteria provided, single submitter. Criteria: ACMG Guidelines, 2015. Collection method: not provided. Allele origin: germline. Inheritance: Autosomal recessive inheritance. Affected: yes.

PreventionGenetics, part of Exact Sciences
Classification: Benign for PKD1L1-related condition. Last evaluated: 2019-12-05. Review status: no assertion criteria provided. Collection method: clinical testing. Allele origin: germline. Not counted in ClinVar's aggregate classification.
Comment: This variant is classified as benign based on ACMG/AMP sequence variant interpretation guidelines (Richards et al. 2015 PMID: 25741868, with internal and published modifications).

NM_138295.5(PKD1L1):c.2680G>A (p.Val894Ile)

Gene: PKD1L1 (polycystin 1 like 1, transient receptor potential channel interacting; minus strand). Cytogenetic location: 7p12.3.
Variant type: single nucleotide variant.
Coding change: c.2680G>A on transcript NM_138295.5 (MANE Select); coding-DNA position 2680, G replaced by A.
Protein change: p.Val894Ile; replaces valine 894 with isoleucine.
Molecular consequence: missense variant.
Genome position (GRCh38, 1-based): chr7:47,888,146, C>T on the plus strand (G>A on the coding strand, the complement: PKD1L1 is on the minus strand). VCF-style: chr7-47888146-C-T. GRCh37 (hg19) VCF-style: chr7-47927744-C-T.
Other names: short protein forms V894I.
Identifiers: ClinVar variation 1238411 (VCV001238411.11), dbSNP rs56100904, ClinGen allele CA4253643.